The following is an entry in ClinVar:

ClinVar aggregate classification (germline): Uncertain significance. Review status: criteria provided, multiple submitters, no conflicts (2 of 4 stars). 6 submissions from 6 submitters: Uncertain significance (6). Last evaluated 2025-12-11.

Conditions:
Classic or attenuated familial adenomatous polyposis. Identifiers: MedGen CN372698, MONDO:0021057.
Familial adenomatous polyposis 1 (FAP1). Also called: FAMILIAL ADENOMATOUS POLYPOSIS 1, ATTENUATED; POLYPOSIS, ADENOMATOUS INTESTINAL. Identifiers: MedGen C2713442, MONDO:0021056, OMIM 175100. Disease mechanism: loss of function.
Hereditary cancer-predisposing syndrome. Also called: Neoplastic Syndromes, Hereditary; Tumor predisposition; Hereditary Cancer Syndrome; Hereditary neoplastic syndrome. Identifiers: Orphanet 140162, MedGen C0027672, MeSH D009386, MONDO:0015356.

Allele frequency attached by ClinVar (database versions not stated): gnomAD 0.00003.
gnomAD v4.1: 2 of 1,613,738 alleles (0.00012%); highest among the groups gnomAD compares: African/African-American, 0.0027%; no homozygotes.

Submissions (6):

Ambry Genetics
Classification: Uncertain significance for Hereditary cancer-predisposing syndrome. Last evaluated: 2025-12-11. Review status: criteria provided, single submitter. Criteria: Ambry Variant Classification Scheme 2023. Collection method: clinical testing. Allele origin: germline.
Comment: The p.Q2117E variant (also known as c.6349C>G), located in coding exon 15 of the APC gene, results from a C to G substitution at nucleotide position 6349. The glutamine at codon 2117 is replaced by glutamic acid, an amino acid with highly similar properties. This amino acid position is well conserved in available vertebrate species. In addition, in silico predictors for this gene do not accurately predict pathogenicity. Missense alterations in APC are not a common cause of disease (Spier I et al. Genet Med. 2024 Feb;26(2):100992). Based on the available evidence, the clinical significance of this variant remains unclear.

All of Us Research Program, National Institutes of Health
Classification: Uncertain significance for Classic or attenuated familial adenomatous polyposis. Last evaluated: 2024-08-13. Review status: criteria provided, single submitter. Criteria: ACMG Guidelines, 2015. Collection method: clinical testing. Allele origin: germline. Inheritance: Autosomal dominant inheritance. Observed: 1 variant allele, 1 heterozygote.
Comment: This missense variant replaces glutamine with glutamic acid at codon 2117 of the APC protein. Computational prediction suggests that this variant may not impact protein structure and function (internally defined REVEL score threshold <= 0.5, PMID: 27666373). To our knowledge, functional studies have not been reported for this variant. This variant has not been reported in individuals affected with hereditary cancer in the literature. This variant has been identified in 1/31392 chromosomes in the general population by the Genome Aggregation Database (gnomAD). The available evidence is insufficient to determine the role of this variant in disease conclusively. Therefore, this variant is classified as a Variant of Uncertain Significance.

This study involves interpretation of variants in research participants for the purpose of population health screening. Participant phenotype was not available at the time of variant classification. Additional details can be found in publication PMID: 35346344, PMCID: PMC8962531

Color Diagnostics, LLC DBA Color Health
Classification: Uncertain significance for Hereditary cancer-predisposing syndrome. Last evaluated: 2024-03-06. Review status: criteria provided, single submitter. Criteria: ACMG Guidelines, 2015. Collection method: clinical testing. Allele origin: germline.
Comment: This missense variant replaces glutamine with glutamic acid at codon 2117 of the APC protein. Computational prediction suggests that this variant may not impact protein structure and function (internally defined REVEL score threshold <= 0.5, PMID: 27666373). To our knowledge, functional studies have not been reported for this variant. This variant has not been reported in individuals affected with hereditary cancer in the literature. This variant has been identified in 1/31392 chromosomes in the general population by the Genome Aggregation Database (gnomAD). The available evidence is insufficient to determine the role of this variant in disease conclusively. Therefore, this variant is classified as a Variant of Uncertain Significance.

Labcorp Genetics (formerly Invitae), Labcorp
Classification: Uncertain significance for Familial adenomatous polyposis 1. Last evaluated: 2023-10-13. Review status: criteria provided, single submitter. Criteria: Invitae Variant Classification Sherloc (09022015). Collection method: clinical testing. Allele origin: germline.
Comment: This sequence change replaces glutamine, which is neutral and polar, with glutamic acid, which is acidic and polar, at codon 2117 of the APC protein (p.Gln2117Glu). This variant is present in population databases (no rsID available, gnomAD 0.01%). This variant has not been reported in the literature in individuals affected with APC-related conditions. ClinVar contains an entry for this variant (Variation ID: 233806). Advanced modeling of protein sequence and biophysical properties (such as structural, functional, and spatial information, amino acid conservation, physicochemical variation, residue mobility, and thermodynamic stability) performed at Invitae indicates that this missense variant is not expected to disrupt APC protein function. In summary, the available evidence is currently insufficient to determine the role of this variant in disease. Therefore, it has been classified as a Variant of Uncertain Significance.

Baylor Genetics
Classification: Uncertain significance for Familial adenomatous polyposis 1. Last evaluated: 2023-08-08. Review status: criteria provided, single submitter. Criteria: ACMG Guidelines, 2015. Collection method: clinical testing. Allele origin: unknown.

GeneDx
Classification: Uncertain significance. Last evaluated: 2019-08-08. Review status: criteria provided, single submitter. Criteria: GeneDx Variant Classification Process June 2021. Collection method: clinical testing. Allele origin: germline. Affected: yes.
Comment: Not observed at a significant frequency in large population cohorts (Lek et al., 2016); In silico analysis, which includes protein predictors and evolutionary conservation, supports that this variant does not alter protein structure/function; Has not been previously published as pathogenic or benign to our knowledge

NM_000038.6(APC):c.6349C>G (p.Gln2117Glu)

Gene: APC (APC regulator of Wnt signaling pathway; plus strand). Cytogenetic location: 5q22.2.
Variant type: single nucleotide variant.
Coding change: c.6349C>G on transcript NM_000038.6 (MANE Select); coding-DNA position 6349, C replaced by G.
Protein change: p.Gln2117Glu; replaces glutamine 2117 with glutamic acid.
Molecular consequence: missense variant.
Genome position (GRCh38, 1-based): chr5:112,841,943, C>G. VCF-style: chr5-112841943-C-G. GRCh37 (hg19) VCF-style: chr5-112177640-C-G.
Other names: c.6349C>G, p.Gln2117Glu (NM_001127510.3, NM_001354895.2); c.6295C>G, p.Gln2099Glu (NM_001127511.3); c.6403C>G, p.Gln2135Glu (NM_001354896.2); c.6379C>G, p.Gln2127Glu (NM_001354897.2); c.6274C>G, p.Gln2092Glu (NM_001354898.2); c.6265C>G, p.Gln2089Glu (NM_001354899.2); c.6226C>G, p.Gln2076Glu (NM_001354900.2); c.6172C>G, p.Gln2058Glu (NM_001354901.2); and 5 more; short protein forms Q2099E, Q2117E, Q1834E, Q1957E, Q2026E, Q2127E, Q2135E, Q2058E.
Identifiers: ClinVar variation 233806 (VCV000233806.22), dbSNP rs587780546, ClinGen allele CA10578428.
Genomic context (GRCh38, chr5:112,841,943, plus strand): 5'-GAAAATTTTGATTGGAAAGCTATTCAGGAAGGTGCAAATTCCATAGTAAGTAGTTTACAT[C>G]AAGCTGCTGCTGCTGCATGTTTATCTAGACAAGCTTCGTCTGATTCAGATTCCATCCTTT-3'
Protein context (NP_000029.2, residues 2107-2127): GANSIVSSLH[Gln2117Glu]AAAAACLSRQ